The following is an entry in ClinVar:

NM_152703.5(SAMD9L):c.3470A>G (p.Glu1157Gly)

Gene: SAMD9L (sterile alpha motif domain containing 9 like; minus strand). Cytogenetic location: 7q21.2.
Variant type: single nucleotide variant.
Coding change: c.3470A>G on transcript NM_152703.5 (MANE Select); coding-DNA position 3470, A replaced by G.
Protein change: p.Glu1157Gly; replaces glutamic acid 1157 with glycine.
Molecular consequence: missense variant.
Genome position (GRCh38, 1-based): chr7:93,132,502, T>C on the plus strand (A>G on the coding strand, the complement: SAMD9L is on the minus strand). VCF-style: chr7-93132502-T-C. GRCh37 (hg19) VCF-style: chr7-92761815-T-C.
Other names: c.3470A>G, p.Glu1157Gly (NM_001303496.3, NM_001303497.3, NM_001303498.3 and 5 more transcripts); short protein forms E1157G.
Identifiers: ClinVar variation 3949867 (VCV003949867.1).

ClinVar aggregate classification (germline): Uncertain significance (1 of 4 stars; one submission).

Conditions:
Inborn genetic diseases. Identifiers: MedGen C0950123, MeSH D030342.

gnomAD v4.1: 2 of 1,613,950 alleles (0.00012%); highest among the groups gnomAD compares: Non-Finnish European, 0.00017%; no homozygotes.

Submission:

Ambry Genetics
Classification: Uncertain significance for Inborn genetic diseases. Last evaluated: 2025-04-20. Review status: criteria provided, single submitter. Criteria: Ambry Variant Classification Scheme 2023. Collection method: clinical testing. Allele origin: germline.
Comment: The p.E1157G variant (also known as c.3470A>G), located in coding exon 1 of the SAMD9L gene, results from an A to G substitution at nucleotide position 3470. The glutamic acid at codon 1157 is replaced by glycine, an amino acid with similar properties. This amino acid position is conserved. In addition, this alteration is predicted to be tolerated by in silico analysis. Based on the available evidence, the clinical significance of this variant remains unclear.